The following is an entry in ClinVar:

ClinVar aggregate classification (germline): Uncertain significance (1 of 4 stars; one submission).

Conditions:
Autosomal dominant limb-girdle muscular dystrophy type 1G (LGMDD3). Also called: Limb-girdle muscular dystrophy, type 1G; MUSCULAR DYSTROPHY, LIMB-GIRDLE, AUTOSOMAL DOMINANT 3. Identifiers: Orphanet 55596, MedGen C1836765, MONDO:0012193, OMIM 609115.

Submission:

Labcorp Genetics (formerly Invitae), Labcorp
Classification: Uncertain significance for Autosomal dominant limb-girdle muscular dystrophy type 1G. Last evaluated: 2023-09-08. Review status: criteria provided, single submitter. Criteria: Invitae Variant Classification Sherloc (09022015). Collection method: clinical testing. Allele origin: germline.
Comment: This sequence change replaces proline, which is neutral and non-polar, with arginine, which is basic and polar, at codon 83 of the HNRNPDL protein (p.Pro83Arg). This variant is not present in population databases (gnomAD no frequency). This variant has not been reported in the literature in individuals affected with HNRNPDL-related conditions. An algorithm developed to predict the effect of missense changes on protein structure and function (PolyPhen-2) suggests that this variant is likely to be disruptive. In summary, the available evidence is currently insufficient to determine the role of this variant in disease. Therefore, it has been classified as a Variant of Uncertain Significance.

NM_031372.4(HNRNPDL):c.248C>G (p.Pro83Arg)

Gene: HNRNPDL (heterogeneous nuclear ribonucleoprotein D like; minus strand). Cytogenetic location: 4q21.22.
Variant type: single nucleotide variant.
Coding change: c.248C>G on transcript NM_031372.4 (MANE Select); coding-DNA position 248, C replaced by G.
Protein change: p.Pro83Arg; replaces proline 83 with arginine.
Molecular consequence: missense variant. On other transcripts: non-coding transcript variant (1).
Genome position (GRCh38, 1-based): chr4:82,429,443, G>C on the plus strand (C>G on the coding strand, the complement: HNRNPDL is on the minus strand). VCF-style: chr4-82429443-G-C. GRCh37 (hg19) VCF-style: chr4-83350596-G-C.
Other names: c.248C>G, p.Pro83Arg (NM_001207000.1); short protein forms P83R.
Identifiers: ClinVar variation 2759255 (VCV002759255.3), dbSNP rs201774571, ClinGen allele CA357172727.